The following is an entry in ClinVar:

ClinVar aggregate classification (germline): Benign/Likely benign. Review status: criteria provided, multiple submitters, no conflicts (2 of 4 stars). 3 submissions from 3 submitters: Benign (2); Likely benign (1). Last evaluated 2025-05-15.

Conditions:
Tuberous sclerosis 2 (TSC2). Identifiers: Orphanet 805, MedGen C1860707, MONDO:0013199, OMIM 613254.
Hereditary cancer-predisposing syndrome. Also called: Neoplastic Syndromes, Hereditary; Hereditary Cancer Syndrome; Tumor predisposition; Hereditary neoplastic syndrome. Identifiers: Orphanet 140162, MedGen C0027672, MeSH D009386, MONDO:0015356.

Allele frequency attached by ClinVar (database versions not stated): gnomAD exomes below 0.00001; ExAC 0.00001.
gnomAD v4.1: 5 of 1,613,252 alleles (0.00031%); highest among the groups gnomAD compares: South Asian, 0.0022%; no homozygotes.

Submissions (3):

Myriad Genetics, Inc.
Classification: Benign for Tuberous sclerosis 2. Last evaluated: 2025-05-15. Review status: criteria provided, single submitter. Criteria: Myriad Autosomal Dominant, Autosomal Recessive and X-Linked Classification Criteria (2023). Collection method: clinical testing. Allele origin: unknown.
Comment: This variant is considered benign. This variant is a silent/synonymous amino acid change and it is not expected to impact splicing.

Ambry Genetics
Classification: Likely benign for Hereditary cancer-predisposing syndrome. Last evaluated: 2024-08-26. Review status: criteria provided, single submitter. Criteria: Ambry Variant Classification Scheme 2023. Collection method: clinical testing. Allele origin: germline.

Labcorp Genetics (formerly Invitae), Labcorp
Classification: Benign for Tuberous sclerosis 2. Last evaluated: 2022-08-31. Review status: criteria provided, single submitter. Criteria: Invitae Variant Classification Sherloc (09022015). Collection method: clinical testing. Allele origin: germline.

NM_000548.5(TSC2):c.1810C>T (p.Leu604=)

Gene: TSC2 (TSC complex subunit 2; plus strand). Cytogenetic location: 16p13.3.
Variant type: single nucleotide variant.
Coding change: c.1810C>T on transcript NM_000548.5 (MANE Select); coding-DNA position 1810, C replaced by T.
Protein change: p.Leu604=; no amino-acid change (leucine 604 retained).
Molecular consequence: synonymous variant. On other transcripts: non-coding transcript variant (5).
Genome position (GRCh38, 1-based): chr16:2,070,549, C>T. VCF-style: chr16-2070549-C-T. GRCh37 (hg19) VCF-style: chr16-2120550-C-T.
Other names: c.1810C>T, p.Leu604= (NM_001077183.3, NM_001114382.3, NM_001363528.2 and 6 more transcripts); c.1699C>T, p.Leu567= (NM_001318827.2, NM_001406670.1, NM_001406678.1); c.1663C>T, p.Leu555= (NM_001318829.2, NM_001406675.1, NM_001406676.1 and 1 more transcripts); c.1210C>T, p.Leu404= (NM_001318831.2, NM_001406680.1, NM_001406682.1 and 6 more transcripts); c.1843C>T, p.Leu615= (NM_001318832.2); c.1900C>T, p.Leu634= (NM_001406667.1, NM_001406668.1); c.1798C>T, p.Leu600= (NM_001406671.1, NM_001406673.1); c.1753C>T, p.Leu585= (NM_001406677.1); and 3 more.
Identifiers: ClinVar variation 2028070 (VCV002028070.6), dbSNP rs774082654, ClinGen allele CA033622.